The following is an entry in ClinVar:

ClinVar aggregate classification (germline): Uncertain significance. Review status: criteria provided, multiple submitters, no conflicts (2 of 4 stars). 2 submissions from 2 submitters: Uncertain significance (2). Last evaluated 2024-08-19.

Submissions (2):

Blueprint Genetics
Classification: Uncertain significance. Last evaluated: 2024-08-19. Review status: criteria provided, single submitter. Criteria: ACMG Guidelines, 2015. Collection method: clinical testing. Allele origin: germline.

GeneDx
Classification: Uncertain significance. Last evaluated: 2024-08-19. Review status: criteria provided, single submitter. Criteria: GeneDx Variant Classification Process June 2021. Collection method: clinical testing. Allele origin: germline. Affected: yes.
Comment: Not observed at significant frequency in large population cohorts (gnomAD); In silico analysis supports that this missense variant has a deleterious effect on protein structure/function; Has not been previously published as pathogenic or benign to our knowledge.

NM_004700.4(KCNQ4):c.305A>G (p.His102Arg)

Gene: KCNQ4 (potassium voltage-gated channel subfamily Q member 4; plus strand). Cytogenetic location: 1p34.2.
Variant type: single nucleotide variant.
Coding change: c.305A>G on transcript NM_004700.4 (MANE Select); coding-DNA position 305, A replaced by G.
Protein change: p.His102Arg; replaces histidine 102 with arginine.
Molecular consequence: missense variant.
Genome position (GRCh38, 1-based): chr1:40,784,398, A>G. VCF-style: chr1-40784398-A-G. GRCh37 (hg19) VCF-style: chr1-41250070-A-G.
Other names: c.305A>G, p.His102Arg (NM_172163.3); short protein forms H102R.
Identifiers: ClinVar variation 2442470 (VCV002442470.3), dbSNP rs1368754307, ClinGen allele CA339885473.